The following is an entry in ClinVar:

NM_018127.7(ELAC2):c.1928G>T (p.Arg643Leu)

Gene: ELAC2 (elaC ribonuclease Z 2; minus strand). Cytogenetic location: 17p12.
Variant type: single nucleotide variant.
Coding change: c.1928G>T on transcript NM_018127.7 (MANE Select); coding-DNA position 1928, G replaced by T.
Protein change: p.Arg643Leu; replaces arginine 643 with leucine.
Molecular consequence: missense variant.
Genome position (GRCh38, 1-based): chr17:12,994,865, C>A on the plus strand (G>T on the coding strand, the complement: ELAC2 is on the minus strand). VCF-style: chr17-12994865-C-A. GRCh37 (hg19) VCF-style: chr17-12898182-C-A.
Other names: c.1808G>T, p.Arg603Leu (NM_001165962.2); c.1925G>T, p.Arg642Leu (NM_173717.2); short protein forms R642L, R603L, R643L.
Identifiers: ClinVar variation 1952366 (VCV001952366.2), dbSNP rs199545091, ClinGen allele CA8400998.
Genomic context (GRCh38, chr17:12,994,865, plus strand): 5'-TAGACCACTTTCCAGCCAGAGGTGTGCACCAGCGCACAGCCAAACGCATGCTTGCAGTGC[C>A]GCACCAGACAGGTCTGAAACTGAAAGGGTGGGGCTGGAGGGCTCTGCAGCTCTGCTCCCC-3'
Protein context (NP_060597.4, residues 633-653): DLEEFQTCLV[Arg643Leu]HCKHAFGCAL

ClinVar aggregate classification (germline): Uncertain significance (1 of 4 stars; one submission).

Conditions:
Combined oxidative phosphorylation defect type 17. Also called: Combined oxidative phosphorylation deficiency 17. Identifiers: Orphanet 369913, MedGen C3809526, MONDO:0014190, OMIM 615440.

gnomAD v4.1: 44 of 1,613,968 alleles (0.0027%); highest among the groups gnomAD compares: Non-Finnish European, 0.0035%; no homozygotes.

Submission:

Labcorp Genetics (formerly Invitae), Labcorp
Classification: Uncertain significance for Combined oxidative phosphorylation defect type 17. Last evaluated: 2022-03-16. Review status: criteria provided, single submitter. Criteria: Invitae Variant Classification Sherloc (09022015). Collection method: clinical testing. Allele origin: germline.
Comment: This sequence change replaces arginine, which is basic and polar, with leucine, which is neutral and non-polar, at codon 643 of the ELAC2 protein (p.Arg643Leu). This variant is present in population databases (rs199545091, gnomAD 0.003%). This variant has not been reported in the literature in individuals affected with ELAC2-related conditions. Algorithms developed to predict the effect of missense changes on protein structure and function (SIFT, PolyPhen-2, Align-GVGD) all suggest that this variant is likely to be tolerated. In summary, the available evidence is currently insufficient to determine the role of this variant in disease. Therefore, it has been classified as a Variant of Uncertain Significance.